The following is an entry in ClinVar:

ClinVar aggregate classification (germline): Likely benign (1 of 4 stars; one submission).

Allele frequency attached by ClinVar (database versions not stated): gnomAD below 0.00001 and 0.00002; gnomAD exomes 0.00001 and 0.00002; ExAC 0.00003.
gnomAD v4.1: 19 of 1,612,562 alleles (0.0012%); highest among the groups gnomAD compares: South Asian, 0.019%; 1 homozygote.

Submission:

Laboratory for Molecular Medicine, Mass General Brigham Personalized Medicine
Classification: Likely benign. Last evaluated: 2013-08-15. Review status: criteria provided, single submitter. Criteria: LMM Criteria. Collection method: clinical testing. Allele origin: germline. Observed: 1 variant allele.
Comment: Gln192Gln in exon 3 of GIPC3: This variant is not expected to have clinical sign ificance because it does not alter an amino acid residue, and it is not located with the splice consensus sequence.

NM_133261.3(GIPC3):c.576G>A (p.Gln192=)

Gene: GIPC3 (GIPC PDZ domain containing family member 3; plus strand). Cytogenetic location: 19p13.3.
Variant type: single nucleotide variant.
Coding change: c.576G>A on transcript NM_133261.3 (MANE Select); coding-DNA position 576, G replaced by A.
Protein change: p.Gln192=; no amino-acid change (glutamine 192 retained).
Molecular consequence: synonymous variant.
Genome position (GRCh38, 1-based): chr19:3,586,978, G>A. VCF-style: chr19-3586978-G-A. GRCh37 (hg19) VCF-style: chr19-3586976-G-A.
Identifiers: ClinVar variation 179107 (VCV000179107.4), dbSNP rs727504632, ClinGen allele CA183748.